The following is an entry in ClinVar:

NM_000038.6(APC):c.1582G>C (p.Ala528Pro)

Gene: APC (APC regulator of Wnt signaling pathway; plus strand). Cytogenetic location: 5q22.2.
Variant type: single nucleotide variant.
Coding change: c.1582G>C on transcript NM_000038.6 (MANE Select); coding-DNA position 1582, G replaced by C.
Protein change: p.Ala528Pro; replaces alanine 528 with proline.
Molecular consequence: missense variant.
Genome position (GRCh38, 1-based): chr5:112,827,962, G>C. VCF-style: chr5-112827962-G-C. GRCh37 (hg19) VCF-style: chr5-112163659-G-C.
Other names: c.1582G>C, p.Ala528Pro (NM_001127510.3, NM_001354895.2, NM_001407450.1); c.1528G>C, p.Ala510Pro (NM_001127511.3); c.1636G>C, p.Ala546Pro (NM_001354896.2, NM_001407447.1, NM_001407448.1 and 1 more transcripts); c.1612G>C, p.Ala538Pro (NM_001354897.2); c.1507G>C, p.Ala503Pro (NM_001354898.2); c.1498G>C, p.Ala500Pro (NM_001354899.2); c.1459G>C, p.Ala487Pro (NM_001354900.2); c.1405G>C, p.Ala469Pro (NM_001354901.2, NM_001407453.1); and 11 more; short protein forms A245P, A500P, A510P, A518P, A521P, A368P, A399P, A487P.
Identifiers: ClinVar variation 4592937 (VCV004592937.1).
Genomic context (GRCh38, chr5:112,827,962, plus strand): 5'-ATCCTCTATTCTGTATTTAATTTACAGGCTACGCTATGCTCTATGAAAGGCTGCATGAGA[G>C]CACTTGTGGCCCAACTAAAATCTGAAAGTGAAGACTTACAGCAGGTACTATTTAGAATTT-3'
Protein context (NP_000029.2, residues 518-538): TLCSMKGCMR[Ala528Pro]LVAQLKSESE

ClinVar aggregate classification (germline): Uncertain significance (1 of 4 stars; one submission).

Conditions:
Hereditary cancer-predisposing syndrome. Also called: Neoplastic Syndromes, Hereditary; Tumor predisposition; Hereditary Cancer Syndrome; Hereditary neoplastic syndrome. Identifiers: Orphanet 140162, MedGen C0027672, MeSH D009386, MONDO:0015356.

Submission:

Ambry Genetics
Classification: Uncertain significance for Hereditary cancer-predisposing syndrome. Last evaluated: 2025-11-25. Review status: criteria provided, single submitter. Criteria: Ambry Variant Classification Scheme 2023. Collection method: clinical testing. Allele origin: germline.
Comment: The p.A528P variant (also known as c.1582G>C), located in coding exon 12 of the APC gene, results from a G to C substitution at nucleotide position 1582. The alanine at codon 528 is replaced by proline, an amino acid with highly similar properties. This amino acid position is conserved. In addition, in silico predictors for this gene do not accurately predict pathogenicity. Based on the available evidence, the clinical significance of this variant remains unclear.